The following is an entry in ClinVar:

NM_003640.5(ELP1):c.3701-2A>G

Gene: ELP1 (elongator acetyltransferase complex subunit 1; minus strand). Cytogenetic location: 9q31.3.
Variant type: single nucleotide variant.
Coding change: c.3701-2A>G on transcript NM_003640.5 (MANE Select); the canonical splice acceptor site of the intron before coding-DNA position 3701, A replaced by G.
Molecular consequence: splice acceptor variant.
Genome position (GRCh38, 1-based): chr9:108,878,151, T>C on the plus strand (A>G on the coding strand, the complement: ELP1 is on the minus strand). VCF-style: chr9-108878151-T-C. GRCh37 (hg19) VCF-style: chr9-111640431-T-C.
Other names: c.3701-2A>G (NM_003640.4); c.3359-2A>G (NM_001318360.2); c.2654-2A>G (NM_001330749.2).
Identifiers: ClinVar variation 1998169 (VCV001998169.7), dbSNP rs2537855172, ClinGen allele CA374410868.

ClinVar aggregate classification (germline): Likely pathogenic. Review status: criteria provided, multiple submitters, no conflicts (2 of 4 stars). 3 submissions from 3 submitters: Likely pathogenic (3). Last evaluated 2025-11-17.

Conditions:
Medulloblastoma (MDB). Also called: MEDULLOBLASTOMA PREDISPOSITION SYNDROME; Medulloblastoma, somatic. Identifiers: Orphanet 616, MedGen C0025149, MeSH D008527, MONDO:0007959, OMIM 155255, HP:0002885.
Familial dysautonomia. Also called: HSAN III; FD. Identifiers: Orphanet 1764, MedGen C0013364, MONDO:0009131, OMIM 223900. Disease mechanism: loss of function.

Submissions (3):

Natera, Inc.
Classification: Likely pathogenic for Familial dysautonomia. Last evaluated: 2025-11-17. Review status: criteria provided, single submitter. Criteria: Natera Variant Classification Schema (03/2026). Collection method: clinical testing. Allele origin: germline.
Comment: The c.3701-2A>G variant in ELP1 is a canonical splice acceptor site variant predicted to affect pre-mRNA splicing, which may result in an abnormal transcript and altered protein product. This variant is expected to result in nonsense mediated decay, truncation, or a dysfunctional protein product. This variant is rare in the general population with a frequency below the threshold expected for the associated phenotype(s). Given the available evidence, this variant is classified as Likely Pathogenic.

St. Jude Molecular Pathology, St. Jude Children's Research Hospital
Classification: Likely pathogenic for Medulloblastoma. Last evaluated: 2025-06-17. Review status: criteria provided, single submitter. Criteria: St. Jude Assertion Criteria 2020. Collection method: clinical testing. Allele origin: germline.
Comment: The ELP1 c.3701-2A>G intronic change results in an A to G substitution at the -2 position of intron 34 of the ELP1 gene. This variant is predicted to result in aberrant splicing, resulting in nonsense-mediated decay or an abnormal protein product. This is supported by internal RNA data. To our knowledge, this variant has not been reported in individuals with medulloblastoma or familial dysautonomia. This variant is absent in gnomAD v2.1.1. In summary, this variant meets criteria to be classified as likely pathogenic.

Labcorp Genetics (formerly Invitae), Labcorp
Classification: Likely pathogenic. Last evaluated: 2025-05-20. Review status: criteria provided, single submitter. Criteria: Invitae Variant Classification Sherloc (09022015). Collection method: clinical testing. Allele origin: germline.
Comment: This sequence change affects an acceptor splice site in intron 34 of the ELP1 gene. It is expected to disrupt RNA splicing. Variants that disrupt the donor or acceptor splice site typically lead to a loss of protein function (PMID: 16199547), and loss-of-function variants in ELP1 are known to be pathogenic (PMID: 18303054, 24173031). This variant is not present in population databases (gnomAD no frequency). This variant has not been reported in the literature in individuals affected with ELP1-related conditions. ClinVar contains an entry for this variant (Variation ID: 1998169). Algorithms developed to predict the effect of sequence changes on RNA splicing suggest that this variant may disrupt the consensus splice site. In summary, the currently available evidence indicates that the variant is pathogenic, but additional data are needed to prove that conclusively. Therefore, this variant has been classified as Likely Pathogenic.

Literature cited by the submitters: PubMed 16199547 (cited by Labcorp Genetics (formerly Invitae), Labcorp); PubMed 18303054 (cited by Labcorp Genetics (formerly Invitae), Labcorp); PubMed 24173031 (cited by Labcorp Genetics (formerly Invitae), Labcorp).